The following is an entry in ClinVar:

ClinVar aggregate classification (germline): Uncertain significance (1 of 4 stars; one submission).

Conditions:
Propionic acidemia (PROP). Also called: GLYCINEMIA, KETOTIC; HYPERGLYCINEMIA WITH KETOACIDOSIS AND LEUKOPENIA; KETOTIC HYPERGLYCINEMIA. Identifiers: Orphanet 35, MedGen C0268579, MONDO:0011628, OMIM 606054, HP:0003571.

gnomAD v4.1: 1 of 1,611,528 alleles (0.000062%); highest among the groups gnomAD compares: Non-Finnish European, 0.000085%; no homozygotes.

Submission:

Labcorp Genetics (formerly Invitae), Labcorp
Classification: Uncertain significance for Propionic acidemia. Last evaluated: 2025-10-11. Review status: criteria provided, single submitter. Criteria: Invitae Variant Classification Sherloc (09022015). Collection method: clinical testing. Allele origin: germline.
Comment: This sequence change replaces lysine, which is basic and polar, with glutamic acid, which is acidic and polar, at codon 150 of the PCCA protein (p.Lys150Glu). This variant is not present in population databases (gnomAD no frequency). This variant has not been reported in the literature in individuals affected with PCCA-related conditions. Invitae Evidence Modeling of protein sequence and biophysical properties (such as structural, functional, and spatial information, amino acid conservation, physicochemical variation, residue mobility, and thermodynamic stability) has been performed for this missense variant. However, the output from this modeling did not meet the statistical confidence thresholds required to predict the impact of this variant on PCCA protein function. In summary, the available evidence is currently insufficient to determine the role of this variant in disease. Therefore, it has been classified as a Variant of Uncertain Significance.

NM_000282.4(PCCA):c.448A>G (p.Lys150Glu)

Gene: PCCA (propionyl-CoA carboxylase subunit alpha; plus strand). Cytogenetic location: 13q32.3.
Variant type: single nucleotide variant.
Coding change: c.448A>G on transcript NM_000282.4 (MANE Select); coding-DNA position 448, A replaced by G.
Protein change: p.Lys150Glu; replaces lysine 150 with glutamic acid.
Molecular consequence: missense variant. On other transcripts: 5 prime UTR variant (3), non-coding transcript variant (5).
Genome position (GRCh38, 1-based): chr13:100,157,320, A>G. VCF-style: chr13-100157320-A-G. GRCh37 (hg19) VCF-style: chr13-100809574-A-G.
Other names: c.370A>G, p.Lys124Glu (NM_001127692.3, NM_001352607.2, NM_001352608.2); c.448A>G, p.Lys150Glu (NM_001178004.2, NM_001352605.2, NM_001352606.2 and 1 more transcripts); c.-419A>G (NM_001352610.2, NM_001352611.2, NM_001352612.2); short protein forms K124E, K150E.
Identifiers: ClinVar variation 4705261 (VCV004705261.1).